The following is an entry in ClinVar:

ClinVar aggregate classification (germline): Uncertain significance. Review status: criteria provided, multiple submitters, no conflicts (2 of 4 stars). 2 submissions from 2 submitters: Uncertain significance (2). Last evaluated 2022-07-15.

Conditions:
Megaconial type congenital muscular dystrophy (MDCMC). Also called: CHKB-Related Muscle Diseases; MUSCULAR DYSTROPHY, CONGENITAL, WITH MITOCHONDRIAL STRUCTURAL ABNORMALITIES; CHKB-Related Muscular Dystrophy. Identifiers: Orphanet 280671, MedGen C1865233, MONDO:0011246, OMIM 602541.

Allele frequency attached by ClinVar (database versions not stated): gnomAD exomes below 0.00001 and 0.00001; ExAC 0.00001; gnomAD 0.00001; TOPMed 0.00001.
gnomAD v4.1: 15 of 1,614,034 alleles (0.00093%); highest among the groups gnomAD compares: Middle Eastern, 0.016%; no homozygotes.

Submissions (2):

Labcorp Genetics (formerly Invitae), Labcorp
Classification: Uncertain significance for Megaconial type congenital muscular dystrophy. Last evaluated: 2022-07-15. Review status: criteria provided, single submitter. Criteria: Invitae Variant Classification Sherloc (09022015). Collection method: clinical testing. Allele origin: germline.
Comment: In summary, the available evidence is currently insufficient to determine the role of this variant in disease. Therefore, it has been classified as a Variant of Uncertain Significance. This sequence change replaces glutamic acid, which is acidic and polar, with aspartic acid, which is acidic and polar, at codon 214 of the CHKB protein (p.Glu214Asp). This variant is present in population databases (rs761029141, gnomAD 0.0009%). This variant has not been reported in the literature in individuals affected with CHKB-related conditions. ClinVar contains an entry for this variant (Variation ID: 547961). Algorithms developed to predict the effect of missense changes on protein structure and function (SIFT, PolyPhen-2, Align-GVGD) all suggest that this variant is likely to be tolerated.

Mayo Clinic Laboratories, Mayo Clinic
Classification: Uncertain significance for Megaconial type congenital muscular dystrophy. Last evaluated: 2017-05-22. Review status: criteria provided, single submitter. Criteria: ACMG Guidelines, 2015. Collection method: clinical testing. Allele origin: maternal.

NM_005198.5(CHKB):c.642G>T (p.Glu214Asp)

Genes: CHKB (choline kinase beta; minus strand), CHKB-CPT1B (CHKB-CPT1B readthrough (NMD candidate); minus strand). Cytogenetic location: 22q13.33.
Variant type: single nucleotide variant.
Coding change: c.642G>T on transcript NM_005198.5 (MANE Select); coding-DNA position 642, G replaced by T.
Protein change: p.Glu214Asp; replaces glutamic acid 214 with aspartic acid.
Molecular consequence: missense variant. On other transcripts: non-coding transcript variant (1).
Genome position (GRCh38, 1-based): chr22:50,580,600, C>A on the plus strand (G>T on the coding strand, the complement: CHKB is on the minus strand). VCF-style: chr22-50580600-C-A. GRCh37 (hg19) VCF-style: chr22-51019029-C-A.
Other names: short protein forms E214D.
Identifiers: ClinVar variation 547961 (VCV000547961.8), dbSNP rs761029141, ClinGen allele CA10323712.